The following is an entry in ClinVar:

NM_018263.6(ASXL2):c.4232A>G (p.Lys1411Arg)

Gene: ASXL2 (ASXL transcriptional regulator 2; minus strand). Cytogenetic location: 2p23.3.
Variant type: single nucleotide variant.
Coding change: c.4232A>G on transcript NM_018263.6 (MANE Select); coding-DNA position 4232, A replaced by G.
Protein change: p.Lys1411Arg; replaces lysine 1411 with arginine.
Molecular consequence: missense variant.
Genome position (GRCh38, 1-based): chr2:25,742,105, T>C on the plus strand (A>G on the coding strand, the complement: ASXL2 is on the minus strand). VCF-style: chr2-25742105-T-C. GRCh37 (hg19) VCF-style: chr2-25964974-T-C.
Other names: c.4058A>G, p.Lys1353Arg (NM_001369346.1); c.3452A>G, p.Lys1151Arg (NM_001369347.1); short protein forms K1151R, K1353R, K1411R.
Identifiers: ClinVar variation 2780003 (VCV002780003.3), dbSNP rs2465302103, ClinGen allele CA346073603.

ClinVar aggregate classification (germline): Uncertain significance (1 of 4 stars; one submission).

Allele frequency attached by ClinVar (database versions not stated): gnomAD exomes below 0.00001.
gnomAD v4.1: 1 of 1,614,042 alleles (0.000062%); highest among the groups gnomAD compares: African/African-American, 0.0013%; no homozygotes.

Submission:

Labcorp Genetics (formerly Invitae), Labcorp
Classification: Uncertain significance. Last evaluated: 2023-12-12. Review status: criteria provided, single submitter. Criteria: Invitae Variant Classification Sherloc (09022015). Collection method: clinical testing. Allele origin: germline.
Comment: This sequence change replaces lysine, which is basic and polar, with arginine, which is basic and polar, at codon 1411 of the ASXL2 protein (p.Lys1411Arg). This variant is not present in population databases (gnomAD no frequency). This variant has not been reported in the literature in individuals affected with ASXL2-related conditions. Advanced modeling of protein sequence and biophysical properties (such as structural, functional, and spatial information, amino acid conservation, physicochemical variation, residue mobility, and thermodynamic stability) performed at Invitae indicates that this missense variant is not expected to disrupt ASXL2 protein function with a negative predictive value of 80%. In summary, the available evidence is currently insufficient to determine the role of this variant in disease. Therefore, it has been classified as a Variant of Uncertain Significance.